The following is an entry in ClinVar:

ClinVar aggregate classification (germline): Likely benign. Review status: criteria provided, multiple submitters, no conflicts (2 of 4 stars). 4 submissions from 4 submitters: Likely benign (3). 1 of the submissions does not count toward it. Last evaluated 2026-01-25.

Conditions:
GLDC-related disorder. Also called: GLDC-related condition.
Glycine encephalopathy. Also called: Non-ketotic hyperglycinemia; Nonketotic hyperglycinemia. Identifiers: Orphanet 407, MedGen C0751748, MONDO:0011612, HP:0008288.

Allele frequency attached by ClinVar (database versions not stated): gnomAD 0.00003 and 0.00004; TOPMed 0.00003; ESP Exome Variant Server 0.00008; gnomAD exomes 0.00010 and 0.00012; ExAC 0.00012.
gnomAD v4.1: 173 of 1,613,150 alleles (0.011%); highest among the groups gnomAD compares: Non-Finnish European, 0.014%; no homozygotes.

Submissions (4):

Labcorp Genetics (formerly Invitae), Labcorp
Classification: Likely benign for Glycine encephalopathy. Last evaluated: 2026-01-25. Review status: criteria provided, single submitter. Criteria: Invitae Variant Classification Sherloc (09022015). Collection method: clinical testing. Allele origin: germline.

Blueprint Genetics
Classification: Likely benign. Last evaluated: 2024-08-08. Review status: criteria provided, single submitter. Criteria: ACMG Guidelines, 2015. Collection method: clinical testing. Allele origin: germline.

CeGaT Center for Human Genetics Tuebingen
Classification: Likely benign. Last evaluated: 2024-08-01. Review status: criteria provided, single submitter. Criteria: CeGaT Center For Human Genetics Tuebingen Variant Classification Criteria Version 2. Collection method: clinical testing. Allele origin: germline. Affected: yes. Observed: 1 variant allele.
Comment: GLDC: BP4, BP7

PreventionGenetics, part of Exact Sciences
Classification: Likely benign for GLDC-related condition. Last evaluated: 2019-06-02. Review status: no assertion criteria provided. Collection method: clinical testing. Allele origin: germline. Not counted in ClinVar's aggregate classification.
Comment: This variant is classified as likely benign based on ACMG/AMP sequence variant interpretation guidelines (Richards et al. 2015 PMID: 25741868, with internal and published modifications).

NM_000170.3(GLDC):c.2673C>T (p.His891=)

Gene: GLDC (glycine decarboxylase; minus strand). Cytogenetic location: 9p24.1.
Variant type: single nucleotide variant.
Coding change: c.2673C>T on transcript NM_000170.3 (MANE Select); coding-DNA position 2673, C replaced by T.
Protein change: p.His891=; no amino-acid change (histidine 891 retained).
Molecular consequence: synonymous variant.
Genome position (GRCh38, 1-based): chr9:6,536,229, G>A on the plus strand (C>T on the coding strand, the complement: GLDC is on the minus strand). VCF-style: chr9-6536229-G-A. GRCh37 (hg19) VCF-style: chr9-6536229-G-A.
Other names: c.2673C>T (NM_000170.2).
Identifiers: ClinVar variation 1099655 (VCV001099655.27), dbSNP rs144939090, ClinGen allele CA4980100.